The following is an entry in ClinVar:

ClinVar aggregate classification (germline): Benign/Likely benign. Review status: criteria provided, multiple submitters, no conflicts (2 of 4 stars). 6 submissions from 6 submitters: Benign (2); Likely benign (4). Last evaluated 2026-06-01.

Conditions:
Vanishing white matter disease. Also called: Childhood ataxia with diffuse central nervous system hypomyelination; Leukoencephalopathy with vanishing white matter; CACH/VWM syndrome; Cree leukoencehalopathy; CACH syndrome. Identifiers: Orphanet 135, Orphanet 99853, MedGen C1858991, MONDO:0800448.

Allele frequency attached by ClinVar (database versions not stated): ESP Exome Variant Server 0.00062; TOPMed 0.00074; gnomAD 0.00079 and 0.00096; 1000 Genomes Project 30x 0.00094; 1000 Genomes Project 0.00120; ExAC 0.00159; gnomAD exomes 0.00163.
gnomAD v4.1: 1,532 of 1,614,156 alleles (0.095%); highest among the groups gnomAD compares: Middle Eastern, 1.2%; 10 homozygotes.

Submissions (6):

CeGaT Center for Human Genetics Tuebingen
Classification: Likely benign. Last evaluated: 2026-06-01. Review status: criteria provided, single submitter. Criteria: CeGaT Center For Human Genetics Tuebingen Variant Classification Criteria Version 2. Collection method: clinical testing. Allele origin: germline. Affected: yes. Observed: 8 variant alleles.
Comment: EIF2B1: BP4, BP7

Labcorp Genetics (formerly Invitae), Labcorp
Classification: Benign. Last evaluated: 2026-01-31. Review status: criteria provided, single submitter. Criteria: Invitae Variant Classification Sherloc (09022015). Collection method: clinical testing. Allele origin: germline.

Mayo Clinic Laboratories, Mayo Clinic
Classification: Benign. Last evaluated: 2024-04-08. Review status: criteria provided, single submitter. Criteria: ACMG Guidelines, 2015. Collection method: clinical testing. Allele origin: germline. Observed: 3 variant alleles.
Comment: BS1, BS2, BP4, BP7

Fulgent Genetics
Classification: Likely benign for Leukoencephalopathy with vanishing white matter 1. Last evaluated: 2021-11-18. Review status: criteria provided, single submitter. Criteria: ACMG Guidelines, 2015. Collection method: clinical testing. Allele origin: unknown.

Illumina Laboratory Services, Illumina
Classification: Likely benign for Leukoencephalopathy with vanishing white matter 1. Last evaluated: 2018-01-12. Review status: criteria provided, single submitter. Criteria: ICSL Variant Classification Criteria 13 December 2019. Collection method: clinical testing. Allele origin: germline.
Comment: This variant was observed in the ICSL laboratory as part of a predisposition screen in an ostensibly healthy population. It had not been previously curated by ICSL or reported in the Human Gene Mutation Database (HGMD: prior to June 1st, 2018), and was therefore a candidate for classification through an automated scoring system. Utilizing variant allele frequency, disease prevalence and penetrance estimates, and inheritance mode, an automated score was calculated to assess if this variant is too frequent to cause the disease. Based on the score and internal cut-off values, a variant classified as likely benign is not then subjected to further curation. The score for this variant resulted in a classification of likely benign for this disease.

Breakthrough Genomics
Classification: Likely benign. Review status: criteria provided, single submitter. Criteria: ACMG Guidelines, 2015. Collection method: not provided. Allele origin: germline. Inheritance: Autosomal recessive inheritance. Affected: yes.

NM_001414.4(EIF2B1):c.429G>A (p.Ala143=)

Gene: EIF2B1 (eukaryotic translation initiation factor 2B subunit alpha; minus strand). Cytogenetic location: 12q24.31.
Variant type: single nucleotide variant.
Coding change: c.429G>A on transcript NM_001414.4 (MANE Select); coding-DNA position 429, G replaced by A.
Protein change: p.Ala143=; no amino-acid change (alanine 143 retained).
Molecular consequence: synonymous variant.
Genome position (GRCh38, 1-based): chr12:123,627,097, C>T on the plus strand (G>A on the coding strand, the complement: EIF2B1 is on the minus strand). VCF-style: chr12-123627097-C-T. GRCh37 (hg19) VCF-style: chr12-124111644-C-T.
Other names: p.Ala143=.
Identifiers: ClinVar variation 425020 (VCV000425020.59), dbSNP rs148714712, ClinGen allele CA6860132.